The following is an entry in ClinVar:

ClinVar aggregate classification (germline): Conflicting classifications of pathogenicity. Review status: criteria provided, conflicting classifications (1 of 4 stars). 8 submissions from 8 submitters: Uncertain significance (4); Likely benign (3). 1 of the submissions does not count toward it. Last evaluated 2026-02-04.

Conditions:
Spastic paraplegia. Identifiers: MedGen C0037772, HP:0001258.
Inborn genetic diseases. Identifiers: MedGen C0950123, MeSH D030342.
Intellectual disability. Also called: intellectual disabilities; Intellectual functioning disability; Intellectual developmental disorder. Identifiers: MedGen C3714756, MeSH D008607, MONDO:0001071, HP:0001249.
Charlevoix-Saguenay spastic ataxia (SACS). Also called: SPASTIC ATAXIA 6, AUTOSOMAL RECESSIVE; AUTOSOMAL RECESSIVE SPASTIC ATAXIA OF CHARLEVOIX-SAGUENAY; Spastic ataxia of Charlevoix-Saguenay. Identifiers: Orphanet 98, MedGen C1849140, MONDO:0010041, OMIM 270550.

Allele frequency attached by ClinVar (database versions not stated): gnomAD below 0.00001 and 0.00006; gnomAD exomes 0.00009 and 0.00018; ExAC 0.00017; 1000 Genomes Project 0.00040; 1000 Genomes Project 30x 0.00031.
gnomAD v4.1: 145 of 1,613,958 alleles (0.009%); highest among the groups gnomAD compares: South Asian, 0.15%; 2 homozygotes.

Submissions (8):

Labcorp Genetics (formerly Invitae), Labcorp
Classification: Likely benign for Spastic paraplegia. Last evaluated: 2026-02-04. Review status: criteria provided, single submitter. Criteria: Invitae Variant Classification Sherloc (09022015). Collection method: clinical testing. Allele origin: germline.

Women's Health and Genetics/Laboratory Corporation of America, LabCorp
Classification: Uncertain significance. Last evaluated: 2024-12-17. Review status: criteria provided, single submitter. Criteria: LabCorp Variant Classification Summary - May 2015. Collection method: clinical testing. Allele origin: germline.
Comment: Variant summary: SACS c.6634A>G (p.Thr2212Ala) results in a non-conservative amino acid change in the encoded protein sequence. Four of five in-silico tools predict a benign effect of the variant on protein function. The variant allele was found at a frequency of 0.00018 in 251066 control chromosomes, predominantly at a frequency of 0.0014 within the South Asian subpopulation in the gnomAD database, including 2 homozygotes. This frequency is not significantly higher than estimated for a pathogenic variant in SACS causing Charlevoix-Saguenay spastic ataxia, allowing no conclusion about variant significance. To our knowledge, no occurrence of c.6634A>G in individuals affected with Charlevoix-Saguenay spastic ataxia and no experimental evidence demonstrating its impact on protein function have been reported. ClinVar contains an entry for this variant (Variation ID: 311531). Based on the evidence outlined above, the variant was classified as VUS-possibly benign.

Mayo Clinic Laboratories, Mayo Clinic
Classification: Uncertain significance. Last evaluated: 2024-06-11. Review status: criteria provided, single submitter. Criteria: ACMG Guidelines, 2015. Collection method: clinical testing. Allele origin: germline. Observed: 2 variant alleles.
Comment: BS1

Ambry Genetics
Classification: Likely benign for Inborn genetic diseases. Last evaluated: 2021-10-12. Review status: criteria provided, single submitter. Criteria: Ambry Variant Classification Scheme 2023. Collection method: clinical testing. Allele origin: germline.

Genome-Nilou Lab
Classification: Likely benign for Charlevoix-Saguenay spastic ataxia. Last evaluated: 2021-09-05. Review status: criteria provided, single submitter. Criteria: ACMG Guidelines, 2015. Collection method: clinical testing. Allele origin: germline. Affected: no.

Cambridge Genomics Laboratory, East Genomic Laboratory Hub, NHS Genomic Medicine Service
Classification: Uncertain significance for Intellectual disability. Last evaluated: 2019-11-28. Review status: criteria provided, single submitter. Criteria: ACGS Best Practice Guidelines for Variant Classification in Rare Disease 2020. Collection method: clinical testing. Allele origin: germline. Affected: yes. Observed: 1 variant allele.

Illumina Laboratory Services, Illumina
Classification: Uncertain significance for Charlevoix-Saguenay spastic ataxia. Last evaluated: 2018-01-13. Review status: criteria provided, single submitter. Criteria: ICSL Variant Classification Criteria 13 December 2019. Collection method: clinical testing. Allele origin: germline.

Natera, Inc.
Classification: Uncertain significance for Charlevoix-Saguenay type spastic ataxia. Last evaluated: 2020-09-16. Review status: no assertion criteria provided. Collection method: clinical testing. Allele origin: germline. Not counted in ClinVar's aggregate classification.

NM_014363.6(SACS):c.6634A>G (p.Thr2212Ala)

Gene: SACS (sacsin molecular chaperone; minus strand). Cytogenetic location: 13q12.12.
Variant type: single nucleotide variant.
Coding change: c.6634A>G on transcript NM_014363.6 (MANE Select); coding-DNA position 6634, A replaced by G.
Protein change: p.Thr2212Ala; replaces threonine 2212 with alanine.
Molecular consequence: missense variant.
Genome position (GRCh38, 1-based): chr13:23,337,242, T>C on the plus strand (A>G on the coding strand, the complement: SACS is on the minus strand). VCF-style: chr13-23337242-T-C. GRCh37 (hg19) VCF-style: chr13-23911381-T-C.
Other names: p.Thr2212Ala; c.6193A>G, p.Thr2065Ala (NM_001278055.2); c.6634A>G (NM_014363.4); short protein forms T2212A, T2065A.
Identifiers: ClinVar variation 311531 (VCV000311531.23), dbSNP rs556248979, ClinGen allele CA6911051.